The following is an entry in ClinVar:

NM_002691.4(POLD1):c.2470A>G (p.Met824Val)

Gene: POLD1 (DNA polymerase delta 1, catalytic subunit; plus strand). Cytogenetic location: 19q13.33.
Variant type: single nucleotide variant.
Coding change: c.2470A>G on transcript NM_002691.4 (MANE Select); coding-DNA position 2470, A replaced by G.
Protein change: p.Met824Val; replaces methionine 824 with valine.
Molecular consequence: missense variant. On other transcripts: non-coding transcript variant (1).
Genome position (GRCh38, 1-based): chr19:50,414,896, A>G. VCF-style: chr19-50414896-A-G. GRCh37 (hg19) VCF-style: chr19-50918153-A-G.
Other names: c.2470A>G, p.Met824Val (NM_001256849.1); c.2548A>G, p.Met850Val (NM_001308632.1); c.2470A>G (NM_002691.2); short protein forms M824V, M850V.
Identifiers: ClinVar variation 239295 (VCV000239295.50), dbSNP rs779675467, ClinGen allele CA9596539.

ClinVar aggregate classification (germline): Uncertain significance. Review status: criteria provided, multiple submitters, no conflicts (2 of 4 stars). 5 submissions from 5 submitters: Uncertain significance (5). Last evaluated 2025-12-15.

Conditions:
Mandibular hypoplasia-deafness-progeroid syndrome. Also called: Mandibular hypoplasia, deafness, progeroid features, and lipodystrophy syndrome. Identifiers: Orphanet 363649, MedGen C3715192, MONDO:0014157, OMIM 615381.
Immunodeficiency 120. Identifiers: MedGen C5935622, MONDO:0970994, OMIM 620836.
POLD1-related polyposis and colorectal cancer syndrome (CRCS10). Also called: Colorectal cancer 10; COLORECTAL CANCER, SUSCEPTIBILITY TO, ON CHROMOSOME 19q; Colorectal cancer, susceptibility to, 10. Identifiers: Orphanet 220460, MedGen C2675481, MONDO:0012953, OMIM 612591.
Familial colorectal cancer. Identifiers: MedGen CN280943, MONDO:0023113. Disease mechanism: loss of function.
Hereditary cancer-predisposing syndrome. Also called: Tumor predisposition; Hereditary Cancer Syndrome; Neoplastic Syndromes, Hereditary; Hereditary neoplastic syndrome. Identifiers: Orphanet 140162, MedGen C0027672, MeSH D009386, MONDO:0015356.

Allele frequency attached by ClinVar (database versions not stated): ExAC 0.00002; gnomAD exomes 0.00002; gnomAD 0.00003; TOPMed 0.00003.
gnomAD v4.1: 26 of 1,609,422 alleles (0.0016%); highest among the groups gnomAD compares: African/African-American, 0.0094%; no homozygotes.

Submissions (5):

Labcorp Genetics (formerly Invitae), Labcorp
Classification: Uncertain significance for POLD1-related polyposis and colorectal cancer syndrome. Last evaluated: 2025-12-15. Review status: criteria provided, single submitter. Criteria: Invitae Variant Classification Sherloc (09022015). Collection method: clinical testing. Allele origin: germline.
Comment: This sequence change replaces methionine, which is neutral and non-polar, with valine, which is neutral and non-polar, at codon 824 of the POLD1 protein (p.Met824Val). This variant is present in population databases (rs779675467, gnomAD 0.008%). This variant has not been reported in the literature in individuals affected with POLD1-related conditions. ClinVar contains an entry for this variant (Variation ID: 239295). Invitae Evidence Modeling of protein sequence and biophysical properties (such as structural, functional, and spatial information, amino acid conservation, physicochemical variation, residue mobility, and thermodynamic stability) indicates that this missense variant is not expected to disrupt POLD1 protein function with a negative predictive value of 80%. In summary, the available evidence is currently insufficient to determine the role of this variant in disease. Therefore, it has been classified as a Variant of Uncertain Significance.

GeneDx
Classification: Uncertain significance. Last evaluated: 2025-03-20. Review status: criteria provided, single submitter. Criteria: GeneDx Variant Classification Process June 2021. Collection method: clinical testing. Allele origin: germline. Affected: yes.
Comment: Has not been previously published as pathogenic or benign to our knowledge; In silico analysis supports that this missense variant has a deleterious effect on protein structure/function; Not observed at significant frequency in large population cohorts (gnomAD); This variant is associated with the following publications: (PMID: 20951805)

Ambry Genetics
Classification: Uncertain significance for Hereditary cancer-predisposing syndrome. Last evaluated: 2025-02-12. Review status: criteria provided, single submitter. Criteria: Ambry Variant Classification Scheme 2023. Collection method: clinical testing. Allele origin: germline.
Comment: The p.M824V variant (also known as c.2470A>G), located in coding exon 19 of the POLD1 gene, results from an A to G substitution at nucleotide position 2470. The methionine at codon 824 is replaced by valine, an amino acid with highly similar properties. This amino acid position is conserved. In addition, the in silico prediction for this alteration is inconclusive. Based on the available evidence, the clinical significance of this variant remains unclear.

Department of Pathology and Laboratory Medicine, Sinai Health System
Classification: Uncertain significance for POLD1-related polyposis and colorectal cancer syndrome; Mandibular hypoplasia-deafness-progeroid syndrome; Immunodeficiency 120. Last evaluated: 2024-07-09. Review status: criteria provided, single submitter. Criteria: ACMG Guidelines, 2015. Collection method: clinical testing. Allele origin: germline.

CeGaT Center for Human Genetics Tuebingen
Classification: Uncertain significance. Last evaluated: 2022-03-01. Review status: criteria provided, single submitter. Criteria: CeGaT Center For Human Genetics Tuebingen Variant Classification Criteria Version 2. Collection method: clinical testing. Allele origin: germline. Affected: yes. Observed: 1 variant allele.